The following is an entry in ClinVar:

ClinVar aggregate classification (germline): Conflicting classifications of pathogenicity. Review status: criteria provided, conflicting classifications (1 of 4 stars). 3 submissions from 3 submitters: Pathogenic (1); Likely pathogenic (1); Uncertain significance (1). Last evaluated 2024-11-11.

Conditions:
Progressive myoclonic epilepsy type 3. Also called: KCTD7-Related Progressive Myoclonic Epilepsy; EPILEPSY, PROGRESSIVE MYOCLONIC, 3, WITH OR WITHOUT INTRACELLULAR INCLUSIONS; CEROID LIPOFUSCINOSIS, NEURONAL, 14; EPILEPSY, PROGRESSIVE MYOCLONIC, 3, WITHOUT INTRACELLULAR INCLUSIONS. Identifiers: Orphanet 263516, MedGen C2673257, MONDO:0012721, OMIM 611726.

Allele frequency attached by ClinVar (database versions not stated): gnomAD exomes 0.00001.
gnomAD v4.1: 5 of 1,614,248 alleles (0.00031%); highest among the groups gnomAD compares: Middle Eastern, 0.016%; no homozygotes.

Submissions (3):

Labcorp Genetics (formerly Invitae), Labcorp
Classification: Pathogenic for Progressive myoclonic epilepsy type 3. Last evaluated: 2024-11-11. Review status: criteria provided, single submitter. Criteria: Invitae Variant Classification Sherloc (09022015). Collection method: clinical testing. Allele origin: germline.
Comment: This sequence change affects codon 152 of the KCTD7 mRNA. It is a 'silent' change, meaning that it does not change the encoded amino acid sequence of the KCTD7 protein. This variant is present in population databases (rs796052686, gnomAD 0.009%). This variant has been observed in individual(s) with clinical features of progressive myoclonic epilepsy (PMID: 31160820, 33970744; internal data). In at least one individual the data is consistent with being in trans (on the opposite chromosome) from a pathogenic variant. It has also been observed to segregate with disease in related individuals. ClinVar contains an entry for this variant (Variation ID: 206004). Studies have shown that this variant alters KCTD7 gene expression (PMID: 31160820, 33970744). Algorithms developed to predict the effect of sequence changes on RNA splicing suggest that this variant may disrupt the consensus splice site. For these reasons, this variant has been classified as Pathogenic.

GeneDx
Classification: Uncertain significance. Last evaluated: 2017-08-24. Review status: criteria provided, single submitter. Criteria: GeneDx Variant Classification (06012015). Collection method: clinical testing. Allele origin: germline. Affected: yes.
Comment: A variant of uncertain significance has been identified in the KCTD7 gene. The c.456 G>A variant hasnot been published as a pathogenic variant, nor has it been reported as a benign variant to our knowledge. This variant is not observed in large population cohorts (Lek et al., 2016). Several in silico splice prediction models predict that c.456 G>A strengthens a cryptic splice donor site which may supplant the natural donor site and lead to abnormal gene splicing. However, in the absence of RNA/functional studies, the actual effect of this sequence change in this individual is unknown. Therefore, based on the currently available information, it is unclear whether this variant is a pathogenic variant or a rare benign variant.

Undiagnosed Diseases Network, NIH
Classification: Likely pathogenic for Progressive myoclonic epilepsy type 3. Last evaluated: 2017-08-22. Review status: criteria provided, single submitter. Criteria: ACMG Guidelines, 2015. Collection method: clinical testing. Allele origin: maternal. Inheritance: Autosomal recessive inheritance. Affected: yes. Observed: 2 variant alleles, 2 compound heterozygotes. Clinical features observed: Synophrys (HP:0000664), Small hand (HP:0200055), Short stature (HP:0004322), Short nose (HP:0003196), Short foot (HP:0001773), Seizures (HP:0001250), Nevus flammeus of the forehead (HP:0007413), Nevus flammeus nuchae (HP:0007616), Loss of speech (HP:0002371), Loss of ability to walk (HP:0006957), High palate (HP:0000218), Hallux valgus (HP:0001822), and 9 more. Study: Undiagnosed Diseases Network (NIH), UDN.
Comment: The c.280C>T (p.R94W) likely pathogenic variant has been previously reported in the homozygous state in two apparently unrelated Turkish patients [PMID 22693283, 22606975]. The potential pathogenicity of the variant is also supported by a recent functional study [PMID 27742667]. The c.456G>A (p.V152V) variant was predicted to affect splicing by in silico modeling. This effect on splicing was confirmed by RNA sequencing which showed evidence of a novel splice donor site that prematurely terminates exon 3 of KCTD7 in patient samples. Splicing effect was also confirmed by Sanger sequencing of amplified cDNA corresponding to KCTD7 exons 2-4 which showed two discrete bands in patients compared to one band in unrelated controls [Zastrow et al., ASHG 2017].

Literature cited by the submitters: PubMed 31160820 (cited by Labcorp Genetics (formerly Invitae), Labcorp); PubMed 33970744 (cited by Labcorp Genetics (formerly Invitae), Labcorp).

NM_153033.5(KCTD7):c.456G>A (p.Val152=)

Gene: KCTD7 (potassium channel tetramerization domain containing 7; plus strand). Cytogenetic location: 7q11.21.
Variant type: single nucleotide variant.
Coding change: c.456G>A on transcript NM_153033.5 (MANE Select); coding-DNA position 456, G replaced by A.
Protein change: p.Val152=; no amino-acid change (valine 152 retained).
Molecular consequence: synonymous variant.
Genome position (GRCh38, 1-based): chr7:66,638,394, G>A. VCF-style: chr7-66638394-G-A. GRCh37 (hg19) VCF-style: chr7-66103381-G-A.
Other names: p.V152V:GTG>GTA; c.456G>A, p.Val152= (NM_001167961.2).
Identifiers: ClinVar variation 206004 (VCV000206004.14), dbSNP rs796052686, ClinGen allele CA315672.